The following is an entry in ClinVar:

ClinVar aggregate classification (germline): Pathogenic (1 of 4 stars; one submission).

Conditions:
Cystic fibrosis (CF). Also called: MUCOVISCIDOSIS. Identifiers: Orphanet 586, MedGen C0010674, MONDO:0009061, OMIM 219700. Disease mechanism: loss of function.

Submission:

Johns Hopkins Genomics, Johns Hopkins University
Classification: Pathogenic for Cystic fibrosis. Last evaluated: 2021-07-07. Review status: criteria provided, single submitter. Criteria: ACMG Guidelines, 2015. Collection method: clinical testing. Allele origin: germline.
Comment: CFTR c.2335C>T has been reported in two siblings with cystic fibrosis. This CFTR variant is absent from a large population dataset and has not been reported in ClinVar. This nonsense variant results in a premature stop codon in exon 14 (legacy exon 13) of 27 likely leading to nonsense-mediated decay and lack of protein production. We consider CFTR c.2335C>T to be pathogenic.

Literature cited by the submitters: PubMed 25910067.

NM_000492.4(CFTR):c.2335C>T (p.Gln779Ter)

Gene: CFTR (CF transmembrane conductance regulator; plus strand). Cytogenetic location: 7q31.2.
Variant type: single nucleotide variant.
Coding change: c.2335C>T on transcript NM_000492.4 (MANE Select); coding-DNA position 2335, C replaced by T.
Protein change: p.Gln779Ter; replaces glutamine 779 with a stop codon.
Molecular consequence: nonsense.
Genome position (GRCh38, 1-based): chr7:117,592,502, C>T. VCF-style: chr7-117592502-C-T. GRCh37 (hg19) VCF-style: chr7-117232556-C-T.
Other names: short protein forms Q779*.
Identifiers: ClinVar variation 1185022 (VCV001185022.1), dbSNP rs2116033063, ClinGen allele CA368981002.